The following is an entry in ClinVar:

ClinVar aggregate classification (germline): Likely pathogenic (1 of 4 stars; one submission).

Conditions:
Cystic fibrosis (CF). Also called: MUCOVISCIDOSIS. Identifiers: Orphanet 586, MedGen C0010674, MONDO:0009061, OMIM 219700. Disease mechanism: loss of function.

Submission:

Institute of Human Genetics, University of Leipzig Medical Center
Classification: Likely pathogenic for Cystic fibrosis. Last evaluated: 2022-09-05. Review status: criteria provided, single submitter. Criteria: ACMG Guidelines, 2015. Collection method: curation. Allele origin: unknown. Affected: yes. Observed: 1 variant allele.
Comment: The variant was classified in the context of a project re-classifying variants in the German Cystic Fibrosis Registry (Muko.e.V.). Criteria applied: PVS1_STR, PM2_SUP, PM3

NM_000492.4:c.(53+1_54-1)_(164+1_165-1)delins186

Gene: CFTR (CF transmembrane conductance regulator; plus strand).
Variant type: Indel.
Other names: CFTRdele2 (ins186); c.(53+1_54-1)_(164+1_165-1)delins186 (NM_000492.4).
Identifiers: ClinVar variation 1706026 (VCV001706026.1).